The following is an entry in ClinVar:

NM_001184.4(ATR):c.1279A>G (p.Ile427Val)

Gene: ATR (ATR checkpoint kinase; minus strand). Cytogenetic location: 3q23.
Variant type: single nucleotide variant.
Coding change: c.1279A>G on transcript NM_001184.4 (MANE Select); coding-DNA position 1279, A replaced by G.
Protein change: p.Ile427Val; replaces isoleucine 427 with valine.
Molecular consequence: missense variant.
Genome position (GRCh38, 1-based): chr3:142,561,313, T>C on the plus strand (A>G on the coding strand, the complement: ATR is on the minus strand). VCF-style: chr3-142561313-T-C. GRCh37 (hg19) VCF-style: chr3-142280155-T-C.
Other names: c.1279A>G, p.Ile427Val (NM_001354579.2); short protein forms I427V.
Identifiers: ClinVar variation 1767272 (VCV001767272.2), dbSNP rs750609381, ClinGen allele CA2650639.

ClinVar aggregate classification (germline): Uncertain significance (1 of 4 stars; one submission).

Conditions:
Inborn genetic diseases. Identifiers: MedGen C0950123, MeSH D030342.

Allele frequency attached by ClinVar (database versions not stated): ExAC 0.00001; gnomAD 0.00001.
gnomAD v4.1: 1 of 1,613,996 alleles (0.000062%); highest among the groups gnomAD compares: African/African-American, 0.0013%; no homozygotes.

Submission:

Ambry Genetics
Classification: Uncertain significance for Inborn genetic diseases. Last evaluated: 2021-08-21. Review status: criteria provided, single submitter. Criteria: Ambry Variant Classification Scheme 2023. Collection method: clinical testing. Allele origin: germline.
Comment: The p.I427V variant (also known as c.1279A>G), located in coding exon 5 of the ATR gene, results from an A to G substitution at nucleotide position 1279. The isoleucine at codon 427 is replaced by valine, an amino acid with highly similar properties. This amino acid position is conserved. In addition, this alteration is predicted to be tolerated by in silico analysis. Since supporting evidence is limited at this time, the clinical significance of this alteration remains unclear.